The following is an entry in ClinVar:

ClinVar aggregate classification (germline): Uncertain significance (1 of 4 stars; one submission).

Conditions:
Intellectual disability, autosomal dominant 24 (VSVS). Also called: VULTO-VAN SILFHOUT-DE VRIES SYNDROME. Identifiers: MedGen C4014414, MONDO:0014357, OMIM 615828.

Submission:

Juno Genomics, Hangzhou Juno Genomics, Inc
Classification: Uncertain significance for Intellectual disability, autosomal dominant 24. Review status: criteria provided, single submitter. Criteria: ACMG Guidelines, 2015. Collection method: clinical testing. Allele origin: germline. Affected: yes.
Comment: Absent from controls (or at extremely low frequency if recessive) in Genome Aggregation Database, Exome Sequencing Project, 1000 Genomes Project, or Exome Aggregation Consortium.;Well-established in vitro or in vivo functional studies supportive of a damaging effect on the gene or gene product.

NM_021008.4(DEAF1):c.878C>T (p.Pro293Leu)

Gene: DEAF1 (DEAF1 transcription factor; minus strand). Cytogenetic location: 11p15.5.
Variant type: single nucleotide variant.
Coding change: c.878C>T on transcript NM_021008.4 (MANE Select); coding-DNA position 878, C replaced by T.
Protein change: p.Pro293Leu; replaces proline 293 with leucine.
Molecular consequence: missense variant. On other transcripts: intron variant (1).
Genome position (GRCh38, 1-based): chr11:681,082, G>A on the plus strand (C>T on the coding strand, the complement: DEAF1 is on the minus strand). VCF-style: chr11-681082-G-A. GRCh37 (hg19) VCF-style: chr11-681082-G-A.
Other names: c.152C>T, p.Pro51Leu (NM_001367390.1, NM_001440885.1, NM_001440886.1 and 1 more transcripts); c.878C>T, p.Pro293Leu (NM_001440883.1, NM_001440884.1); c.731-1266C>T (NM_001293634.2); short protein forms P293L, P51L.
Identifiers: ClinVar variation 4073607 (VCV004073607.2).
Genomic context (GRCh38, chr11:681,082, plus strand): 5'-GGAGTTGTGGGCAGTTCATTCTCCTTCTTGCGCCTTTTGTAAGGCACAAAAAGCCTGACT[G>A]GGCCACTCTGGGGGAGAAAGGAGAGAGGCCACCACCTTCATGTGTGCAAAAGCTATGCTG-3'
Protein context (NP_066288.2, residues 283-303): ACCDDMTLSG[Pro293Leu]VRLFVPYKRR